The following is an entry in ClinVar:

ClinVar aggregate classification (germline): Uncertain significance (1 of 4 stars; one submission).

Conditions:
POLD1-related polyposis and colorectal cancer syndrome (CRCS10). Also called: Colorectal cancer 10; COLORECTAL CANCER, SUSCEPTIBILITY TO, ON CHROMOSOME 19q; Colorectal cancer, susceptibility to, 10. Identifiers: Orphanet 220460, MedGen C2675481, MONDO:0012953, OMIM 612591.

Submission:

Labcorp Genetics (formerly Invitae), Labcorp
Classification: Uncertain significance for POLD1-related polyposis and colorectal cancer syndrome. Last evaluated: 2022-05-29. Review status: criteria provided, single submitter. Criteria: Invitae Variant Classification Sherloc (09022015). Collection method: clinical testing. Allele origin: germline.
Comment: In summary, the available evidence is currently insufficient to determine the role of this variant in disease. Therefore, it has been classified as a Variant of Uncertain Significance. Experimental studies and prediction algorithms are not available or were not evaluated, and the functional significance of this variant is currently unknown. This variant has not been reported in the literature in individuals affected with POLD1-related conditions. This variant is not present in population databases (gnomAD no frequency). This variant, c.2643_2648del, results in the deletion of 2 amino acid(s) of the POLD1 protein (p.Val882_Ile883del), but otherwise preserves the integrity of the reading frame.

NM_002691.4(POLD1):c.2643_2648del (p.Val882_Ile883del)

Gene: POLD1 (DNA polymerase delta 1, catalytic subunit; plus strand). Cytogenetic location: 19q13.33.
Variant type: Deletion.
Coding change: c.2643_2648del on transcript NM_002691.4 (MANE Select); coding-DNA positions 2643 to 2648, 6 bases deleted (GGTCAT; older notation c.2643_2648delGGTCAT).
Protein change: p.Val882_Ile883del.
Molecular consequence: inframe deletion. On other transcripts: non-coding transcript variant (1).
Genome position (GRCh38, 1-based): chr19:50,415,516-50,415,521, GGTCAT deleted; deleting any 6 consecutive bases within chr19:50,415,515-50,415,521 gives the same sequence; the c. name uses the placement nearest the transcript's 3' end. VCF-style (leftmost placement, unchanged base first): chr19-50415514-CTGGTCA-C. GRCh37 (hg19) VCF-style: chr19-50918771-CTGGTCA-C.
Other names: c.2643_2648del, p.Val882_Ile883del (NM_001256849.1); c.2721_2726del, p.Val908_Ile909del (NM_001308632.1).
Identifiers: ClinVar variation 2000344 (VCV002000344.4), dbSNP rs2514053985, ClinGen allele CA2580097746.